The following is an entry in ClinVar:

ClinVar aggregate classification (germline): Likely pathogenic (1 of 4 stars; one submission).

Conditions:
Postaxial polydactyly-anterior pituitary anomalies-facial dysmorphism syndrome. Also called: Culler-Jones syndrome. Identifiers: Orphanet 420584, MedGen C4014479, MONDO:0014369, OMIM 615849.
Holoprosencephaly 9 (HPE9). Also called: PITUITARY ANOMALIES WITH HOLOPROSENCEPHALY-LIKE FEATURES; HOLOPROSENCEPHALY WITH MICROPHTHALMIA AND FIRST BRANCHIAL ARCH ANOMALIES. Identifiers: Orphanet 2162, MedGen C1835819, MONDO:0012563, OMIM 610829.

Submission:

Institute of Immunology and Genetics Kaiserslautern
Classification: Likely pathogenic for Postaxial polydactyly-anterior pituitary anomalies-facial dysmorphism syndrome; Holoprosencephaly 9. Last evaluated: 2025-09-01. Review status: criteria provided, single submitter. Criteria: ACMG Guidelines, 2015. Collection method: clinical testing. Allele origin: germline. Affected: yes.
Comment: ACMG Criteria: PVS1, PM2; Variant was found in heterozygous state. De-novo-status could not be confirmed due to lack of paternal sample.

NM_001374353.1(GLI2):c.226G>T (p.Glu76Ter)

Gene: GLI2 (GLI family zinc finger 2; plus strand). Cytogenetic location: 2q14.2.
Variant type: single nucleotide variant.
Coding change: c.226G>T on transcript NM_001374353.1 (MANE Select); coding-DNA position 226, G replaced by T.
Protein change: p.Glu76Ter; replaces glutamic acid 76 with a stop codon.
Molecular consequence: nonsense. On other transcripts: intron variant (1).
Genome position (GRCh38, 1-based): chr2:120,927,438, G>T. VCF-style: chr2-120927438-G-T. GRCh37 (hg19) VCF-style: chr2-121685014-G-T.
Other names: c.226G>T, p.Glu76Ter (NM_001371271.1, NM_005270.5); c.-121-23805G>T (NM_001374354.1); short protein forms E76*.
Identifiers: ClinVar variation 4279049 (VCV004279049.1).